The following is an entry in ClinVar:

ClinVar aggregate classification (germline): Uncertain significance. Review status: criteria provided, multiple submitters, no conflicts (2 of 4 stars). 2 submissions from 2 submitters: Uncertain significance (2). Last evaluated 2025-11-28.

Conditions:
Autosomal recessive limb-girdle muscular dystrophy type 2J (LGMDR10). Also called: Limb-girdle muscular dystrophy, type 2J; MUSCULAR DYSTROPHY, LIMB-GIRDLE, AUTOSOMAL RECESSIVE 10. Identifiers: Orphanet 140922, MedGen C1837342, MONDO:0012127, OMIM 608807.
Dilated cardiomyopathy 1G (CMD1G). Identifiers: Orphanet 154, MedGen C1858763, MONDO:0011400, OMIM 604145.

Allele frequency attached by ClinVar (database versions not stated): gnomAD exomes below 0.00001; TOPMed below 0.00001.
gnomAD v4.1: 2 of 1,612,346 alleles (0.00012%); highest among the groups gnomAD compares: East Asian, 0.0022%; no homozygotes.

Submissions (2):

Mayo Clinic Laboratories, Mayo Clinic
Classification: Uncertain significance. Last evaluated: 2025-11-28. Review status: criteria provided, single submitter. Criteria: ACMG Guidelines, 2015. Collection method: clinical testing. Allele origin: germline. Observed: 1 variant allele.
Comment: PP3, PM2_supporting

Labcorp Genetics (formerly Invitae), Labcorp
Classification: Uncertain significance for Dilated cardiomyopathy 1G; Autosomal recessive limb-girdle muscular dystrophy type 2J. Last evaluated: 2017-11-15. Review status: criteria provided, single submitter. Criteria: Invitae Variant Classification Sherloc (09022015). Collection method: clinical testing. Allele origin: germline.

NM_001267550.2(TTN):c.48862C>T (p.Pro16288Ser)

Genes: TTN (titin; minus strand), TTN-AS1 (TTN antisense RNA 1; plus strand), LOC126806426 (BRD4-independent group 4 enhancer GRCh37_chr2:179478848-179480047; plus strand). Cytogenetic location: 2q31.2.
Variant type: single nucleotide variant.
Coding change: c.48862C>T on transcript NM_001267550.2 (MANE Select); coding-DNA position 48862, C replaced by T.
Protein change: p.Pro16288Ser; replaces proline 16288 with serine.
Molecular consequence: missense variant. On other transcripts: non-coding transcript variant (1).
Genome position (GRCh38, 1-based): chr2:178,614,652, G>A on the plus strand (C>T on the coding strand, the complement: TTN is on the minus strand). VCF-style: chr2-178614652-G-A. GRCh37 (hg19) VCF-style: chr2-179479379-G-A.
Other names: p.Pro14647Ser; c.43939C>T, p.Pro14647Ser (NM_001256850.1); c.21667C>T, p.Pro7223Ser (NM_003319.4); c.41158C>T, p.Pro13720Ser (NM_133378.4); c.22042C>T, p.Pro7348Ser (NM_133432.3); c.22243C>T, p.Pro7415Ser (NM_133437.4); short protein forms P16288S, P14647S, P7348S, P13720S, P7223S, P7415S.
Identifiers: ClinVar variation 467208 (VCV000467208.4), dbSNP rs894986526, ClinGen allele CA60987700.
Genomic context (GRCh38, chr2:178,614,652, plus strand): 5'-CAATGGTAATTCTTTTGTCCTGCTTCAGAATCATATCAGCCTTTGTCCAAGTTATTTTAG[G>A]TTCAGGTTTTCCGGTTACGGTGGCAGGAAGTTCAATCTTGGTCCCAGCTTTTACAGTGAG-3'
Protein context (NP_001254479.2, residues 16278-16298): LPATVTGKPE[Pro16288Ser]KITWTKADMI